The following is an entry in ClinVar:

NC_000011.9:g.(?_108164020)_(108236235_?)del

Gene: ATM (ATM serine/threonine kinase; plus strand). Cytogenetic location: 11q22.3.
Variant type: Deletion.
Identifiers: ClinVar variation 1459941 (VCV001459941.6).

ClinVar aggregate classification (germline): Pathogenic (1 of 4 stars; one submission).

Conditions:
Ataxia-telangiectasia syndrome (AT). Also called: Ataxia-telangiectasia, complementation group D; AT, COMPLEMENTATION GROUP C; Cerebello-oculocutaneous telangiectasia; Immunodeficiency with ataxia telangiectasia; Ataxia-telangiectasia, complementation group E; LOUIS-BAR SYNDROME. Identifiers: Orphanet 100, MedGen C0004135, MONDO:0008840, OMIM 208900.

Submission:

Labcorp Genetics (formerly Invitae), Labcorp
Classification: Pathogenic for Ataxia-telangiectasia syndrome. Last evaluated: 2021-05-03. Review status: criteria provided, single submitter. Criteria: Invitae Variant Classification Sherloc (09022015). Collection method: clinical testing. Allele origin: germline.
Comment: For these reasons, this variant has been classified as Pathogenic. This variant disrupts the C-terminus of the ATM protein. Other variant(s) that disrupt this region (Deletion Exons 62-63) have been determined to be pathogenic (PMID: 9443866, 9792409,25614872, 25428789, 26681312). This suggests that variants that disrupt this region of the protein are likely to be causative of disease. This variant has not been reported in the literature in individuals with ATM-related conditions. This variant is a gross deletion of the genomic region encompassing exons 31-63 of the ATM gene. The 5' boundary is likely confined to intron 30. The 3' end of this event is unknown as it extends through the termination codon beyond the assayed region for this gene and may encompass additional genes. While this deletion is not anticipated to lead to nonsense mediated decay, it is expected to alter mRNA translation or result in a truncated protein product.

Literature cited by the submitters: PubMed 9443866; PubMed 9792409; PubMed 25614872; PubMed 25428789; PubMed 26681312.